The following is an entry in ClinVar:

ClinVar aggregate classification (germline): Pathogenic. Review status: reviewed by expert panel (3 of 4 stars). 7 submissions from 7 submitters: Pathogenic (1). 6 of the submissions do not count toward it. Last evaluated 2017-12-15.

Conditions:
Hereditary cancer-predisposing syndrome. Also called: Tumor predisposition; Hereditary neoplastic syndrome; Hereditary Cancer Syndrome; Neoplastic Syndromes, Hereditary. Identifiers: Orphanet 140162, MedGen C0027672, MeSH D009386, MONDO:0015356.
Hereditary breast ovarian cancer syndrome. Also called: Hereditary breast and/or ovarian cancer syndrome; Breast and ovarian cancer; Hereditary breast and ovarian cancer; Hereditary breast and ovarian cancer syndrome; Hereditary breast and ovarian cancer syndrome (HBOC); BRCA1- and BRCA2-Associated Hereditary Breast and Ovarian Cancer. Identifiers: Orphanet 145, MedGen C0677776, MeSH D061325, MONDO:0003582. Disease mechanism: loss of function.
Breast-ovarian cancer, familial, susceptibility to, 2 (BROVCA2). Also called: BRCA2 Hereditary Breast and Ovarian Cancer. Identifiers: Orphanet 145, MedGen C2675520, MONDO:0012933, OMIM 612555. Disease mechanism: loss of function.

Submissions (7):

Evidence-based Network for the Interpretation of Germline Mutant Alleles (ENIGMA)
Classification: Pathogenic for Breast-ovarian cancer, familial, susceptibility to, 2. Last evaluated: 2017-12-15. Review status: reviewed by expert panel. Criteria: ENIGMA BRCA1/2 Classification Criteria (2017-06-29). Collection method: curation. Allele origin: germline. Study: ENIGMA.
Comment: Variant allele predicted to encode a truncated non-functional protein.

GeneDx
Classification: Pathogenic. Last evaluated: 2026-08-03. Review status: criteria provided, single submitter. Criteria: GeneDx Variant Classification Process June 2021. Collection method: clinical testing. Allele origin: germline. Not counted in ClinVar's aggregate classification.
Comment: Observed in individual(s) with a personal or family history consistent with pathogenic variants in this gene (PMID: 25428789); Frameshift variant predicted to result in protein truncation or nonsense mediated decay in a gene for which loss of function is a known mechanism of disease; Truncating variants in this gene are considered pathogenic by a well-established clinical consortium and/or database; Not observed at significant frequency in large population cohorts (gnomAD); Also known as 4959delA; This variant is associated with the following publications: (PMID: 30787465, 12228710, 31892343, 25428789)

Labcorp Genetics (formerly Invitae), Labcorp
Classification: Pathogenic for Hereditary breast ovarian cancer syndrome. Last evaluated: 2025-09-20. Review status: criteria provided, single submitter. Criteria: Invitae Variant Classification Sherloc (09022015). Collection method: clinical testing. Allele origin: germline. Not counted in ClinVar's aggregate classification.
Comment: This sequence change creates a premature translational stop signal (p.Glu1577Aspfs*2) in the BRCA2 gene. It is expected to result in an absent or disrupted protein product. Loss-of-function variants in BRCA2 are known to be pathogenic (PMID: 20104584). This variant is not present in population databases (gnomAD no frequency). This premature translational stop signal has been observed in individual(s) with breast cancer (PMID: 25428789). ClinVar contains an entry for this variant (Variation ID: 252834). For these reasons, this variant has been classified as Pathogenic.

Ambry Genetics
Classification: Pathogenic for Hereditary cancer-predisposing syndrome. Last evaluated: 2020-08-13. Review status: criteria provided, single submitter. Criteria: Ambry Variant Classification Scheme 2023. Collection method: clinical testing. Allele origin: germline. Not counted in ClinVar's aggregate classification.
Comment: The c.4731delA pathogenic mutation, located in coding exon 10 of the BRCA2 gene, results from a deletion of one nucleotide at nucleotide position 4731, causing a translational frameshift with a predicted alternate stop codon (p.E1577Dfs*2). In addition to the clinical data presented in the literature, this alteration is expected to result in loss of function by premature protein truncation or nonsense-mediated mRNA decay. As such, this alteration is interpreted as a disease-causing mutation.

Women's Health and Genetics/Laboratory Corporation of America, LabCorp
Classification: Pathogenic for Hereditary breast and ovarian cancer syndrome. Last evaluated: 2019-11-01. Review status: criteria provided, single submitter. Criteria: LabCorp Variant Classification Summary - May 2015. Collection method: clinical testing. Allele origin: germline. Not counted in ClinVar's aggregate classification.
Comment: Variant summary: BRCA2 c.4731delA (p.Glu1577AspfsX2) results in a premature termination codon, predicted to cause a truncation of the encoded protein or absence of the protein due to nonsense mediated decay, which are commonly known mechanisms for disease. Truncations downstream of this position have been classified as pathogenic by our laboratory. The variant was absent in 251074 control chromosomes (gnomAD). c.4731delA has been reported in the literature in an individual affected with Hereditary Breast and Ovarian Cancer (Churpek_2015). To our knowledge, no experimental evidence demonstrating an impact on protein function has been reported. Five ClinVar submitters including an expert panel (ENIGMA) (evaluation after 2014) cite the variant as pathogenic/likely pathogenic. Based on the evidence outlined above, the variant was classified as pathogenic.

Counsyl
Classification: Likely pathogenic for Breast-ovarian cancer, familial, susceptibility to, 2. Last evaluated: 2017-04-10. Review status: no assertion criteria provided. Collection method: clinical testing. Allele origin: unknown. Not counted in ClinVar's aggregate classification.

Sharing Clinical Reports Project (SCRP)
Classification: Pathogenic for Breast-ovarian cancer, familial 2. Last evaluated: 2008-08-13. Review status: no assertion criteria provided. Collection method: clinical testing. Allele origin: germline. Not counted in ClinVar's aggregate classification.

Literature cited by the submitters: PubMed 20104584 (cited by Labcorp Genetics (formerly Invitae), Labcorp); PubMed 25428789 (cited by 4 submitters).

NM_000059.4(BRCA2):c.4731del (p.Glu1577fs)

Gene: BRCA2 (BRCA2 DNA repair associated; plus strand). Cytogenetic location: 13q13.1.
Variant type: Deletion.
Coding change: c.4731del on transcript NM_000059.4 (MANE Select); coding-DNA position 4731, one base deleted (A; older notation c.4731delA).
Protein change: p.Glu1577fs; shifts the reading frame from glutamic acid 1577.
Molecular consequence: frameshift variant.
Genome position (GRCh38, 1-based): chr13:32,339,086, A deleted; the last of 2 consecutive A bases (chr13:32,339,085-32,339,086); deleting either gives the same sequence. VCF-style (leftmost placement, unchanged base first): chr13-32339084-GA-G. GRCh37 (hg19) VCF-style: chr13-32913221-GA-G.
Other names: 4959delA; c.4731delA (NM_000059.3); short protein forms E1577fs.
Identifiers: ClinVar variation 252834 (VCV000252834.23), dbSNP rs397507740, ClinGen allele CA10586070.